The following is an entry in ClinVar:

ClinVar aggregate classification (germline): Pathogenic (1 of 4 stars; one submission).

Conditions:
Maple syrup urine disease (MSUD). Identifiers: Orphanet 511, MedGen C0024776, MeSH D008375, MONDO:0009563. Disease mechanism: loss of function.

Submission:

Labcorp Genetics (formerly Invitae), Labcorp
Classification: Pathogenic for Maple syrup urine disease. Last evaluated: 2023-01-20. Review status: criteria provided, single submitter. Criteria: Invitae Variant Classification Sherloc (09022015). Collection method: clinical testing. Allele origin: germline.
Comment: For these reasons, this variant has been classified as Pathogenic. This variant has not been reported in the literature in individuals affected with BCKDHA-related conditions. This variant is not present in population databases (gnomAD no frequency). This sequence change creates a premature translational stop signal (p.Glu93*) in the BCKDHA gene. It is expected to result in an absent or disrupted protein product. Loss-of-function variants in BCKDHA are known to be pathogenic (PMID: 16786533, 22593002).

Literature cited by the submitters: PubMed 16786533; PubMed 22593002.

NM_000709.4(BCKDHA):c.277G>T (p.Glu93Ter)

Gene: BCKDHA (branched chain keto acid dehydrogenase E1 subunit alpha; plus strand). Cytogenetic location: 19q13.2.
Variant type: single nucleotide variant.
Coding change: c.277G>T on transcript NM_000709.4 (MANE Select); coding-DNA position 277, G replaced by T.
Protein change: p.Glu93Ter; replaces glutamic acid 93 with a stop codon.
Molecular consequence: nonsense.
Genome position (GRCh38, 1-based): chr19:41,410,805, G>T. VCF-style: chr19-41410805-G-T. GRCh37 (hg19) VCF-style: chr19-41916710-G-T.
Other names: c.277G>T, p.Glu93Ter (NM_001164783.2); short protein forms E93*.
Identifiers: ClinVar variation 2104559 (VCV002104559.4), dbSNP rs753452195, ClinGen allele CA406005057.